The following is an entry in ClinVar:

ClinVar aggregate classification (germline): Uncertain significance (1 of 4 stars; one submission).

Submission:

Labcorp Genetics (formerly Invitae), Labcorp
Classification: Uncertain significance. Last evaluated: 2020-12-23. Review status: criteria provided, single submitter. Criteria: Invitae Variant Classification Sherloc (09022015). Collection method: clinical testing. Allele origin: germline.
Comment: Algorithms developed to predict the effect of missense changes on protein structure and function (SIFT, PolyPhen-2, Align-GVGD) all suggest that this variant is likely to be tolerated, but these predictions have not been confirmed by published functional studies and their clinical significance is uncertain. In summary, the available evidence is currently insufficient to determine the role of this variant in disease. Therefore, it has been classified as a Variant of Uncertain Significance. This variant has not been reported in the literature in individuals with SAMD9-related conditions. This variant is not present in population databases (ExAC no frequency). This sequence change replaces lysine with threonine at codon 367 of the SAMD9 protein (p.Lys367Thr). The lysine residue is moderately conserved and there is a moderate physicochemical difference between lysine and threonine.

NM_017654.4(SAMD9):c.1100A>C (p.Lys367Thr)

Gene: SAMD9 (sterile alpha motif domain containing 9; minus strand). Cytogenetic location: 7q21.2.
Variant type: single nucleotide variant.
Coding change: c.1100A>C on transcript NM_017654.4 (MANE Select); coding-DNA position 1100, A replaced by C.
Protein change: p.Lys367Thr; replaces lysine 367 with threonine.
Molecular consequence: missense variant.
Genome position (GRCh38, 1-based): chr7:93,104,998, T>G on the plus strand (A>C on the coding strand, the complement: SAMD9 is on the minus strand). VCF-style: chr7-93104998-T-G. GRCh37 (hg19) VCF-style: chr7-92734311-T-G.
Other names: c.1100A>C, p.Lys367Thr (NM_001193307.2); short protein forms K367T.
Identifiers: ClinVar variation 1478173 (VCV001478173.8), dbSNP rs2116420667, ClinGen allele CA368202143.